The following is an entry in ClinVar:

NM_001164507.2(NEB):c.21346G>A (p.Asp7116Asn)

Genes: NEB (nebulin; minus strand), RIF1 (replication timing regulatory factor 1; plus strand). Cytogenetic location: 2q23.3.
Variant type: single nucleotide variant.
Coding change: c.21346G>A on transcript NM_001164507.2 (MANE Plus Clinical); coding-DNA position 21346, G replaced by A.
Protein change: p.Asp7116Asn; replaces aspartic acid 7116 with asparagine.
Molecular consequence: missense variant. On other transcripts: intron variant (1).
Genome position (GRCh38, 1-based): chr2:151,534,286, C>T on the plus strand (G>A on the coding strand, the complement: NEB is on the minus strand). VCF-style: chr2-151534286-C-T. GRCh37 (hg19) VCF-style: chr2-152390800-C-T.
Other names: c.21346G>A, p.Asp7116Asn (NM_001271208.2); c.16243G>A, p.Asp5415Asn (NM_004543.5); c.21313-740G>A (NM_001164508.2); short protein forms D7116N, D5415N.
Identifiers: ClinVar variation 573158 (VCV000573158.14), dbSNP rs372827767, ClinGen allele CA57634269.

ClinVar aggregate classification (germline): Conflicting classifications of pathogenicity. Review status: criteria provided, conflicting classifications (1 of 4 stars). 3 submissions from 3 submitters: Uncertain significance (1); Likely benign (1). 1 of the submissions does not count toward it. Last evaluated 2025-07-28.

Conditions:
NEB-related disorder. Also called: NEB-Related Disorders; NEB-related condition.
Nemaline myopathy 2 (NEM2). Also called: Nemaline myopathy 2, autosomal recessive. Identifiers: MedGen C1850569, MONDO:0009725, OMIM 256030.

Allele frequency attached by ClinVar (database versions not stated): TOPMed below 0.00001; gnomAD 0.00002 and 0.00004.
gnomAD v4.1: 6 of 1,613,658 alleles (0.00037%); highest among the groups gnomAD compares: African/African-American, 0.008%; no homozygotes.

Submissions (3):

PreventionGenetics, part of Exact Sciences
Classification: Uncertain significance for NEB-related condition. Last evaluated: 2025-07-28. Review status: criteria provided, single submitter. Criteria: ACMG Guidelines, 2015. Collection method: clinical testing. Allele origin: germline.
Comment: The NEB c.21346G>A variant is predicted to result in the amino acid substitution p.Asp7116Asn. To our knowledge, this variant has not been reported in the literature. This variant is reported in 0.011% of alleles in individuals of African descent in gnomAD. At this time, the clinical significance of this variant is uncertain due to the absence of conclusive functional and genetic evidence.

Labcorp Genetics (formerly Invitae), Labcorp
Classification: Likely benign for Nemaline myopathy 2. Last evaluated: 2023-08-02. Review status: criteria provided, single submitter. Criteria: Invitae Variant Classification Sherloc (09022015). Collection method: clinical testing. Allele origin: germline.

Natera, Inc.
Classification: Uncertain significance for Nemaline myopathy type 2. Last evaluated: 2020-09-14. Review status: no assertion criteria provided. Collection method: clinical testing. Allele origin: germline. Not counted in ClinVar's aggregate classification.